The following is an entry in ClinVar:

NM_000744.7(CHRNA4):c.1426G>A (p.Glu476Lys)

Gene: CHRNA4 (cholinergic receptor nicotinic alpha 4 subunit; minus strand). Cytogenetic location: 20q13.33.
Variant type: single nucleotide variant.
Coding change: c.1426G>A on transcript NM_000744.7 (MANE Select); coding-DNA position 1426, G replaced by A.
Protein change: p.Glu476Lys; replaces glutamic acid 476 with lysine.
Molecular consequence: missense variant. On other transcripts: non-coding transcript variant (1).
Genome position (GRCh38, 1-based): chr20:63,349,985, C>T on the plus strand (G>A on the coding strand, the complement: CHRNA4 is on the minus strand). VCF-style: chr20-63349985-C-T. GRCh37 (hg19) VCF-style: chr20-61981337-C-T.
Other names: c.898G>A, p.Glu300Lys (NM_001256573.2); short protein forms E300K, E476K.
Identifiers: ClinVar variation 1060846 (VCV001060846.11), dbSNP rs201420419, ClinGen allele CA317432037.

ClinVar aggregate classification (germline): Conflicting classifications of pathogenicity. Review status: criteria provided, conflicting classifications (1 of 4 stars). 2 submissions from 2 submitters: Uncertain significance (1); Likely benign (1). Last evaluated 2023-08-16.

Conditions:
Familial sleep-related hypermotor epilepsy. Also called: Autosomal Dominant Sleep-Related Hypermotor (Hyperkinetic) Epilepsy. Identifiers: Orphanet 98784, MedGen C3696898, MONDO:0000030.

Allele frequency attached by ClinVar (database versions not stated): gnomAD exomes 0.00001; 1000 Genomes Project 30x 0.00031.
gnomAD v4.1: 11 of 1,552,012 alleles (0.00071%); highest among the groups gnomAD compares: South Asian, 0.0012%; no homozygotes.

Submissions (2):

Labcorp Genetics (formerly Invitae), Labcorp
Classification: Likely benign. Last evaluated: 2023-08-16. Review status: criteria provided, single submitter. Criteria: Invitae Variant Classification Sherloc (09022015). Collection method: clinical testing. Allele origin: germline.

GeneDx
Classification: Uncertain significance. Last evaluated: 2019-12-06. Review status: criteria provided, single submitter. Criteria: GeneDx Variant Classification Process June 2021. Collection method: clinical testing. Allele origin: germline. Affected: yes.
Comment: In silico analysis, which includes protein predictors and evolutionary conservation, supports that this variant does not alter protein structure/function; Has not been previously published as pathogenic or benign to our knowledge; This amino acid substitution is not predicted to occur within the transmembrane region of the protein, where the vast majority of pathogenic missense variants have been identified in association with epilepsy (Steinlein et al., 2010)